The following is an entry in ClinVar:

ClinVar aggregate classification (germline): Uncertain significance (1 of 4 stars; one submission).

Conditions:
Candidiasis, familial, 9 (CANDF9). Identifiers: Orphanet 1334, MedGen C4225324, MONDO:0014642, OMIM 616445.

Submission:

Labcorp Genetics (formerly Invitae), Labcorp
Classification: Uncertain significance for Candidiasis, familial, 9. Last evaluated: 2022-04-04. Review status: criteria provided, single submitter. Criteria: Invitae Variant Classification Sherloc (09022015). Collection method: clinical testing. Allele origin: germline.
Comment: In summary, the available evidence is currently insufficient to determine the role of this variant in disease. Therefore, it has been classified as a Variant of Uncertain Significance. This variant has not been reported in the literature in individuals affected with IL17RC-related conditions. This variant is not present in population databases (gnomAD no frequency). This sequence change creates a premature translational stop signal (p.Trp41*) in the IL17RC gene. It is expected to result in an absent or disrupted protein product. However, the current clinical and genetic evidence is not sufficient to establish whether loss-of-function variants in IL17RC cause disease.

NM_153460.4(IL17RC):c.105+17G>A

Gene: IL17RC (interleukin 17 receptor C; plus strand). Cytogenetic location: 3p25.3.
Variant type: single nucleotide variant.
Coding change: c.105+17G>A on transcript NM_153460.4 (MANE Select); 17 bases into the intron after coding-DNA position 105, G replaced by A.
Molecular consequence: intron variant. On other transcripts: nonsense (1).
Genome position (GRCh38, 1-based): chr3:9,917,437, G>A. VCF-style: chr3-9917437-G-A. GRCh37 (hg19) VCF-style: chr3-9959121-G-A.
Other names: c.122G>A, p.Trp41Ter (NM_153461.4); c.105+17G>A (NM_001203263.2, NM_001203264.2, NM_001367278.1 and 4 more transcripts); short protein forms W41*.
Identifiers: ClinVar variation 1974286 (VCV001974286.5), dbSNP rs2470069769, ClinGen allele CA351753353.